The following is an entry in ClinVar:

ClinVar aggregate classification (germline): Uncertain significance. Review status: criteria provided, multiple submitters, no conflicts (2 of 4 stars). 2 submissions from 2 submitters: Uncertain significance (2). Last evaluated 2026-07-08.

Allele frequency attached by ClinVar (database versions not stated): TOPMed 0.00001; gnomAD exomes below 0.00001.
gnomAD v4.1: 1 of 1,122,016 alleles (0.000089%); highest among the groups gnomAD compares: Non-Finnish European, 0.00012%; no homozygotes.

Submissions (2):

Ambry Genetics
Classification: Uncertain significance. Last evaluated: 2026-07-08. Review status: criteria provided, single submitter. Criteria: Ambry Variant Classification Scheme 2023. Collection method: clinical testing. Allele origin: germline.
Comment: The c.7G>A (p.G3S) alteration is located in exon 1 (coding exon 1) of the TSR2 gene. This alteration results from a G to A substitution at nucleotide position 7, causing the glycine (G) at amino acid position 3 to be replaced by a serine (S). Based on data from gnomAD, the A allele has an overall frequency of 0.001% (1/78116) total alleles studied. The highest observed frequency was 0.003% (1/34605) of European (non-Finnish) alleles. Based on insufficient or conflicting evidence, the clinical significance of this alteration remains unclear.

Labcorp Genetics (formerly Invitae), Labcorp
Classification: Uncertain significance. Last evaluated: 2022-08-24. Review status: criteria provided, single submitter. Criteria: Invitae Variant Classification Sherloc (09022015). Collection method: clinical testing. Allele origin: germline.
Comment: The frequency data for this variant in the population databases is considered unreliable, as metrics indicate poor data quality at this position in the gnomAD database. This sequence change replaces glycine, which is neutral and non-polar, with serine, which is neutral and polar, at codon 3 of the TSR2 protein (p.Gly3Ser). This variant has not been reported in the literature in individuals affected with TSR2-related conditions. In summary, the available evidence is currently insufficient to determine the role of this variant in disease. Therefore, it has been classified as a Variant of Uncertain Significance. Algorithms developed to predict the effect of missense changes on protein structure and function are either unavailable or do not agree on the potential impact of this missense change (SIFT: "Not Available"; PolyPhen-2: "Benign"; Align-GVGD: "Not Available").

NM_058163.3(TSR2):c.7G>A (p.Gly3Ser)

Gene: TSR2 (TSR2 ribosome maturation factor; plus strand). Cytogenetic location: Xp11.22.
Variant type: single nucleotide variant.
Coding change: c.7G>A on transcript NM_058163.3 (MANE Select); coding-DNA position 7, G replaced by A.
Protein change: p.Gly3Ser; replaces glycine 3 with serine.
Molecular consequence: missense variant. On other transcripts: 5 prime UTR variant (3).
Genome position (GRCh38, 1-based): chrX:54,440,428, G>A. VCF-style: chrX-54440428-G-A. GRCh37 (hg19) VCF-style: chrX-54466861-G-A.
Other names: c.7G>A, p.Gly3Ser (NM_001346789.2); c.-381G>A (NM_001346790.2); c.-390G>A (NM_001346791.2); c.-188G>A (NM_001346792.2); c.7G>A (NM_058163.1); short protein forms G3S.
Identifiers: ClinVar variation 2414349 (VCV002414349.7), dbSNP rs1340416091, ClinGen allele CA413356345.